The following is an entry in ClinVar:

NM_003628.6(PKP4):c.758C>T (p.Pro253Leu)

Gene: PKP4 (plakophilin 4; plus strand). Cytogenetic location: 2q24.1.
Variant type: single nucleotide variant.
Coding change: c.758C>T on transcript NM_003628.6 (MANE Select); coding-DNA position 758, C replaced by T.
Protein change: p.Pro253Leu; replaces proline 253 with leucine.
Molecular consequence: missense variant. On other transcripts: 5 prime UTR variant (1).
Genome position (GRCh38, 1-based): chr2:158,625,032, C>T. VCF-style: chr2-158625032-C-T. GRCh37 (hg19) VCF-style: chr2-159481544-C-T.
Other names: c.758C>T, p.Pro253Leu (NM_001005476.4, NM_001304969.3, NM_001304971.2 and 6 more transcripts); c.-269C>T (NM_001304970.3); c.752C>T, p.Pro251Leu (NM_001377222.1, NM_001377223.1, NM_001377224.1); short protein forms P253L, P251L.
Identifiers: ClinVar variation 1759652 (VCV001759652.3), dbSNP rs755121004, ClinGen allele CA1920518.

ClinVar aggregate classification (germline): Uncertain significance (1 of 4 stars; one submission).

Allele frequency attached by ClinVar (database versions not stated): gnomAD exomes below 0.00001; ExAC 0.00001; gnomAD 0.00001; TOPMed 0.00001.
gnomAD v4.1: 7 of 1,614,018 alleles (0.00043%); highest among the groups gnomAD compares: South Asian, 0.0044%; no homozygotes.

Submission:

Ambry Genetics
Classification: Uncertain significance. Last evaluated: 2025-01-04. Review status: criteria provided, single submitter. Criteria: Ambry Variant Classification Scheme 2023. Collection method: clinical testing. Allele origin: germline.
Comment: The p.P253L variant (also known as c.758C>T), located in coding exon 6 of the PKP4 gene, results from a C to T substitution at nucleotide position 758. The proline at codon 253 is replaced by leucine, an amino acid with similar properties. This amino acid position is conserved. In addition, this alteration is predicted to be tolerated by in silico analysis. Since supporting evidence is limited at this time, the clinical significance of this alteration remains unclear.